The following is an entry in ClinVar:

ClinVar aggregate classification (germline): Uncertain significance (1 of 4 stars; one submission).

Conditions:
Camptomelic dysplasia (CMPD). Also called: Campomelic Dysplasia; CMPD1/SRA1. Identifiers: Orphanet 140, MedGen C1861922, MONDO:0007251, OMIM 114290.

Allele frequency attached by ClinVar (database versions not stated): gnomAD 0.00001.

Submission:

Labcorp Genetics (formerly Invitae), Labcorp
Classification: Uncertain significance for Camptomelic dysplasia. Last evaluated: 2022-02-06. Review status: criteria provided, single submitter. Criteria: Invitae Variant Classification Sherloc (09022015). Collection method: clinical testing. Allele origin: germline.
Comment: Advanced modeling of protein sequence and biophysical properties (such as structural, functional, and spatial information, amino acid conservation, physicochemical variation, residue mobility, and thermodynamic stability) performed at Invitae indicates that this missense variant is not expected to disrupt SOX9 protein function. In summary, the available evidence is currently insufficient to determine the role of this variant in disease. Therefore, it has been classified as a Variant of Uncertain Significance. This variant has not been reported in the literature in individuals affected with SOX9-related conditions. This variant is present in population databases (no rsID available, gnomAD 0.01%). This sequence change replaces serine, which is neutral and polar, with threonine, which is neutral and polar, at codon 330 of the SOX9 protein (p.Ser330Thr).

NM_000346.4(SOX9):c.989G>C (p.Ser330Thr)

Gene: SOX9 (SRY-box transcription factor 9; plus strand). Cytogenetic location: 17q24.3.
Variant type: single nucleotide variant.
Coding change: c.989G>C on transcript NM_000346.4 (MANE Select); coding-DNA position 989, G replaced by C.
Protein change: p.Ser330Thr; replaces serine 330 with threonine.
Molecular consequence: missense variant.
Genome position (GRCh38, 1-based): chr17:72,123,846, G>C. VCF-style: chr17-72123846-G-C. GRCh37 (hg19) VCF-style: chr17-70119987-G-C.
Other names: short protein forms S330T.
Identifiers: ClinVar variation 2094142 (VCV002094142.4), dbSNP rs1243340307, ClinGen allele CA400867480.